The following is an entry in ClinVar:

ClinVar aggregate classification (germline): Likely benign. Review status: criteria provided, multiple submitters, no conflicts (2 of 4 stars). 3 submissions from 3 submitters: Likely benign (2). 1 of the submissions does not count toward it. Last evaluated 2026-01-15.

Conditions:
TUB-related disorder. Also called: TUB-related condition.

Allele frequency attached by ClinVar (database versions not stated): gnomAD 0.00028 and 0.00033; TOPMed 0.00032; ExAC 0.00038; ESP Exome Variant Server 0.00046; 1000 Genomes Project 30x 0.00062; 1000 Genomes Project 0.00080.
gnomAD v4.1: 441 of 1,614,238 alleles (0.027%); highest among the groups gnomAD compares: South Asian, 0.17%; no homozygotes.

Submissions (3):

Labcorp Genetics (formerly Invitae), Labcorp
Classification: Likely benign. Last evaluated: 2026-01-15. Review status: criteria provided, single submitter. Criteria: Invitae Variant Classification Sherloc (09022015). Collection method: clinical testing. Allele origin: germline.

Blueprint Genetics
Classification: Likely benign. Last evaluated: 2023-09-13. Review status: criteria provided, single submitter. Criteria: ACMG Guidelines, 2015. Collection method: clinical testing. Allele origin: germline.

PreventionGenetics, part of Exact Sciences
Classification: Likely benign for TUB-related condition. Last evaluated: 2019-10-14. Review status: no assertion criteria provided. Collection method: clinical testing. Allele origin: germline. Not counted in ClinVar's aggregate classification.
Comment: This variant is classified as likely benign based on ACMG/AMP sequence variant interpretation guidelines (Richards et al. 2015 PMID: 25741868, with internal and published modifications).

NM_177972.3(TUB):c.1455G>A (p.Pro485=)

Genes: RIC3 (RIC3 acetylcholine receptor chaperone; minus strand), TUB (TUB bipartite transcription factor; plus strand). Cytogenetic location: 11p15.4.
Variant type: single nucleotide variant.
Coding change: c.1455G>A on transcript NM_177972.3 (MANE Select); coding-DNA position 1455, G replaced by A.
Protein change: p.Pro485=; no amino-acid change (proline 485 retained).
Molecular consequence: synonymous variant.
Genome position (GRCh38, 1-based): chr11:8,101,553, G>A. VCF-style: chr11-8101553-G-A. GRCh37 (hg19) VCF-style: chr11-8123100-G-A.
Other names: c.1620G>A, p.Pro540= (NM_003320.5).
Identifiers: ClinVar variation 792149 (VCV000792149.14), dbSNP rs147880022, ClinGen allele CA5871524.